The following is an entry in ClinVar:

ClinVar aggregate classification (germline): Benign/Likely benign. Review status: criteria provided, multiple submitters, no conflicts (2 of 4 stars). 2 submissions from 2 submitters: Benign (1); Likely benign (1). Last evaluated 2022-05-01.

Allele frequency attached by ClinVar (database versions not stated): 1000 Genomes Project 0.00240; 1000 Genomes Project 30x 0.00250; ExAC 0.00398; TOPMed 0.00410; ESP Exome Variant Server 0.00423; gnomAD exomes 0.00427 and 0.00629; gnomAD 0.00441 and 0.00453.
gnomAD v4.1: 9,825 of 1,614,172 alleles (0.61%); highest among the groups gnomAD compares: Non-Finnish European, 0.72%; 34 homozygotes.

Submissions (2):

CeGaT Center for Human Genetics Tuebingen
Classification: Likely benign. Last evaluated: 2022-05-01. Review status: criteria provided, single submitter. Criteria: CeGaT Center For Human Genetics Tuebingen Variant Classification Criteria Version 2. Collection method: clinical testing. Allele origin: germline. Affected: yes. Observed: 1 variant allele.
Comment: MYB: BP4, BP7

Labcorp Genetics (formerly Invitae), Labcorp
Classification: Benign. Last evaluated: 2019-12-31. Review status: criteria provided, single submitter. Criteria: Invitae Variant Classification Sherloc (09022015). Collection method: clinical testing. Allele origin: germline.

NM_001130173.2(MYB):c.1767A>G (p.Thr589=)

Gene: MYB (MYB proto-oncogene, transcription factor; plus strand). Cytogenetic location: 6q23.3.
Variant type: single nucleotide variant.
Coding change: c.1767A>G on transcript NM_001130173.2 (MANE Select); coding-DNA position 1767, A replaced by G.
Protein change: p.Thr589=; no amino-acid change (threonine 589 retained).
Molecular consequence: synonymous variant. On other transcripts: non-coding transcript variant (8).
Genome position (GRCh38, 1-based): chr6:135,200,142, A>G. VCF-style: chr6-135200142-A-G. GRCh37 (hg19) VCF-style: chr6-135521280-A-G.
Other names: c.1395A>G, p.Thr465= (NM_001130172.2); c.1758A>G, p.Thr586= (NM_001161656.2); c.1149A>G, p.Thr383= (NM_001161657.2); c.1719A>G, p.Thr573= (NM_001161658.2); c.1404A>G, p.Thr468= (NM_001161659.2, NM_005375.4); c.1299A>G, p.Thr433= (NM_001161660.2).
Identifiers: ClinVar variation 777404 (VCV000777404.28), dbSNP rs34119110, ClinGen allele CA4011647.